The following is an entry in ClinVar:

ClinVar aggregate classification (germline): Pathogenic (1 of 4 stars; one submission).

Submission:

Labcorp Genetics (formerly Invitae), Labcorp
Classification: Pathogenic. Last evaluated: 2024-05-23. Review status: criteria provided, single submitter. Criteria: Invitae Variant Classification Sherloc (09022015). Collection method: clinical testing. Allele origin: germline.
Comment: This sequence change creates a premature translational stop signal (p.Ala3655Leufs*17) in the ADGRV1 gene. It is expected to result in an absent or disrupted protein product. Loss-of-function variants in ADGRV1 are known to be pathogenic (PMID: 19357117, 22135276, 22147658, 26226137, 30718709, 31047384, 32467589). This variant is not present in population databases (gnomAD no frequency). This variant has not been reported in the literature in individuals affected with ADGRV1-related conditions. For these reasons, this variant has been classified as Pathogenic.

Literature cited by the submitters: PubMed 19357117; PubMed 22135276; PubMed 22147658; PubMed 26226137; PubMed 30718709; PubMed 31047384; PubMed 32467589.

NM_032119.4(ADGRV1):c.10962_10968del (p.Ala3655fs)

Gene: ADGRV1 (adhesion G protein-coupled receptor V1; plus strand). Cytogenetic location: 5q14.3.
Variant type: Deletion.
Coding change: c.10962_10968del on transcript NM_032119.4 (MANE Select); coding-DNA positions 10962 to 10968, 7 bases deleted (TGCATTT; older notation c.10962_10968delTGCATTT).
Protein change: p.Ala3655fs; shifts the reading frame from alanine 3655.
Molecular consequence: frameshift variant. On other transcripts: non-coding transcript variant (1).
Genome position (GRCh38, 1-based): chr5:90,745,783-90,745,789, TGCATTT deleted; deleting any 7 consecutive bases within chr5:90,745,782-90,745,789 gives the same sequence; the c. name uses the placement nearest the transcript's 3' end. VCF-style (leftmost placement, unchanged base first): chr5-90745781-GTTGCATT-G. GRCh37 (hg19) VCF-style: chr5-90041598-GTTGCATT-G.
Other names: short protein forms A3655fs.
Identifiers: ClinVar variation 3654400 (VCV003654400.2).